The following is an entry in ClinVar:

ClinVar aggregate classification (germline): Uncertain significance (0 of 4 stars; one submission).

Conditions:
MYCBP2-related disorder. Also called: MYCBP2-related condition.

Submission:

PreventionGenetics, part of Exact Sciences
Classification: Uncertain significance for MYCBP2-related condition. Last evaluated: 2024-01-12. Review status: no assertion criteria provided. Collection method: clinical testing. Allele origin: germline.
Comment: The MYCBP2 c.12877C>T variant is predicted to result in premature protein termination (p.Arg4293*). To our knowledge, this variant has not been reported in the literature or in a large population database, indicating this variant is rare. Although the MYCBP2 gene is predicted to be intolerant to loss of function based on gene constraint metrics, loss of function variants have not been well documented in association with MYCBP2-related disease (Human Gene Mutation Database). At this time, the clinical significance of this variant is uncertain due to the absence of conclusive functional and genetic evidence.

NM_015057.5(MYCBP2):c.12877C>T (p.Arg4293Ter)

Gene: MYCBP2 (MYC binding protein 2; minus strand). Cytogenetic location: 13q22.3.
Variant type: single nucleotide variant.
Coding change: c.12877C>T on transcript NM_015057.5 (MANE Select); coding-DNA position 12877, C replaced by T.
Protein change: p.Arg4293Ter; replaces arginine 4293 with a stop codon.
Molecular consequence: nonsense.
Genome position (GRCh38, 1-based): chr13:77,061,688, G>A on the plus strand (C>T on the coding strand, the complement: MYCBP2 is on the minus strand). VCF-style: chr13-77061688-G-A. GRCh37 (hg19) VCF-style: chr13-77635823-G-A.
Other names: short protein forms R4293*.
Identifiers: ClinVar variation 3030726 (VCV003030726.2), dbSNP rs2502126909, ClinGen allele CA388371214.